The following is an entry in ClinVar:

ClinVar aggregate classification (germline): Uncertain significance (1 of 4 stars; one submission).

Conditions:
Microcephaly 13, primary, autosomal recessive. Identifiers: Orphanet 808, MedGen C4015080, MONDO:0014473, OMIM 616051.

Submission:

Neuberg Centre For Genomic Medicine, NCGM
Classification: Uncertain significance for Microcephaly 13, primary, autosomal recessive. Review status: criteria provided, single submitter. Criteria: ACMG Guidelines, 2015. Collection method: clinical testing. Allele origin: germline. Inheritance: Autosomal recessive inheritance. Affected: yes.
Comment: The missense variant c.4333G>A (p.Asp1445Asn) in the CENPE gene has not been reported previously as a pathogenic variant nor as a benign variant, to our knowledge. This variant is novel (not in any individuals) in gnomAD Exomes and 1000 Genomes. The amino acid Aspartic Acid at position 1445 is changed to a Asparagine changing protein sequence and it might alter its composition and physico-chemical properties. The amino acid change p.Asp1445Asn in CENPE is predicted as conserved by GERP++ and PhyloP across 100 vertebrates. For these reasons, this variant has been classified as Uncertain Significance

NM_001813.3(CENPE):c.4333G>A (p.Asp1445Asn)

Gene: CENPE (centromere protein E; minus strand). Cytogenetic location: 4q24.
Variant type: single nucleotide variant.
Coding change: c.4333G>A on transcript NM_001813.3 (MANE Select); coding-DNA position 4333, G replaced by A.
Protein change: p.Asp1445Asn; replaces aspartic acid 1445 with asparagine.
Molecular consequence: missense variant.
Genome position (GRCh38, 1-based): chr4:103,145,909, C>T on the plus strand (G>A on the coding strand, the complement: CENPE is on the minus strand). VCF-style: chr4-103145909-C-T. GRCh37 (hg19) VCF-style: chr4-104067066-C-T.
Other names: c.4258G>A, p.Asp1420Asn (NM_001286734.2); short protein forms D1420N, D1445N.
Identifiers: ClinVar variation 3764498 (VCV003764498.1).